The following is an entry in ClinVar:

ClinVar aggregate classification (germline): Benign (1 of 4 stars; one submission).

Allele frequency attached by ClinVar (database versions not stated): gnomAD 0.57972 and 0.59100; TOPMed 0.58728; 1000 Genomes Project 30x 0.70862; 1000 Genomes Project 0.71925.
gnomAD v4.1: 89,630 of 151,860 alleles (59%); highest among the groups gnomAD compares: East Asian, 90%; 27,271 homozygotes.

Submission:

GeneDx
Classification: Benign. Last evaluated: 2018-06-14. Review status: criteria provided, single submitter. Criteria: GeneDx Variant Classification (06012015). Collection method: clinical testing. Allele origin: germline. Affected: yes.
Comment: This variant is considered likely benign or benign based on one or more of the following criteria: it is a conservative change, it occurs at a poorly conserved position in the protein, it is predicted to be benign by multiple in silico algorithms, and/or has population frequency not consistent with disease.

NM_000282.4(PCCA):c.2119-204A>G

Gene: PCCA (propionyl-CoA carboxylase subunit alpha; plus strand). Cytogenetic location: 13q32.3.
Variant type: single nucleotide variant.
Coding change: c.2119-204A>G on transcript NM_000282.4 (MANE Select); 204 bases into the intron before coding-DNA position 2119, A replaced by G.
Molecular consequence: intron variant.
Genome position (GRCh38, 1-based): chr13:100,529,894, A>G. VCF-style: chr13-100529894-A-G. GRCh37 (hg19) VCF-style: chr13-101182148-A-G.
Other names: c.1978-204A>G (NM_001178004.2); c.2065-204A>G (NM_001352605.2); c.1975-204A>G (NM_001352606.2); c.1174-204A>G (NM_001352610.2); c.1120-204A>G (NM_001352611.2); c.1030-204A>G (NM_001352612.2); c.2041-204A>G (NM_001127692.3); c.1900-204A>G (NM_001352607.2); and 1 more.
Identifiers: ClinVar variation 683363 (VCV000683363.1), dbSNP rs857294, ClinGen allele CA13798674.